The following is an entry in ClinVar:

NM_001369.3(DNAH5):c.4348C>T (p.Gln1450Ter)

Genes: DNAH5 (dynein axonemal heavy chain 5; minus strand), DNAH5-AS1 (DNAH5 antisense RNA 1; plus strand). Cytogenetic location: 5p15.2.
Variant type: single nucleotide variant.
Coding change: c.4348C>T on transcript NM_001369.3 (MANE Select); coding-DNA position 4348, C replaced by T.
Protein change: p.Gln1450Ter; replaces glutamine 1450 with a stop codon.
Molecular consequence: nonsense.
Genome position (GRCh38, 1-based): chr5:13,865,675, G>A on the plus strand (C>T on the coding strand, the complement: DNAH5 is on the minus strand). VCF-style: chr5-13865675-G-A. GRCh37 (hg19) VCF-style: chr5-13865784-G-A.
Other names: short protein forms Q1450*.
Identifiers: ClinVar variation 208992 (VCV000208992.30), dbSNP rs771663107, ClinGen allele CA346933.

ClinVar aggregate classification (germline): Pathogenic. Review status: criteria provided, multiple submitters, no conflicts (2 of 4 stars). 9 submissions from 9 submitters: Pathogenic (6). 3 of the submissions do not count toward it. Last evaluated 2025-11-03.

Conditions:
Primary ciliary dyskinesia. Also called: Ciliary dyskinesia. Identifiers: Orphanet 244, MedGen C0008780, MONDO:0016575, HP:0012265.
Primary ciliary dyskinesia 3. Identifiers: Orphanet 244, MedGen C1837618, MONDO:0012085, OMIM 608644.
Kartagener syndrome (CILD1). Also called: CILIARY DYSKINESIA, PRIMARY, 1; CILIARY DYSKINESIA, PRIMARY, 1, WITH OR WITHOUT SITUS INVERSUS; Dextrocardia bronchiectasis and sinusitis; SIEWERT SYNDROME; IMMOTILE CILIA SYNDROME; POLYNESIAN BRONCHIECTASIS. Identifiers: Orphanet 244, MedGen C4551906, MONDO:0009484, OMIM 244400.

Allele frequency attached by ClinVar (database versions not stated): ExAC 0.00002; TOPMed 0.00001; gnomAD 0.00001.
gnomAD v4.1: 11 of 1,554,958 alleles (0.00071%); highest among the groups gnomAD compares: Non-Finnish European, 0.0008%; no homozygotes.

Submissions (9):

Labcorp Genetics (formerly Invitae), Labcorp
Classification: Pathogenic for Primary ciliary dyskinesia. Last evaluated: 2025-11-03. Review status: criteria provided, single submitter. Criteria: Invitae Variant Classification Sherloc (09022015). Collection method: clinical testing. Allele origin: germline.
Comment: This sequence change creates a premature translational stop signal (p.Gln1450*) in the DNAH5 gene. It is expected to result in an absent or disrupted protein product. Loss-of-function variants in DNAH5 are known to be pathogenic (PMID: 11788826, 16627867). This variant is present in population databases (rs771663107, gnomAD 0.002%). This premature translational stop signal has been observed in individual(s) with primary ciliary dyskinesia (PMID: 19357118, 23477994). ClinVar contains an entry for this variant (Variation ID: 208992). Algorithms developed to predict the effect of sequence changes on RNA splicing suggest that this variant may disrupt the consensus splice site. For these reasons, this variant has been classified as Pathogenic.

Natera, Inc.
Classification: Pathogenic for Primary ciliary dyskinesia. Last evaluated: 2025-08-15. Review status: criteria provided, single submitter. Criteria: Natera Variant Classification Schema (03/2026). Collection method: clinical testing. Allele origin: germline.
Comment: The c.4348C>T variant in DNAH5 is a nonsense variant predicted to introduce a stop codon at amino acid 1450. This variant is expected to result in nonsense mediated decay, truncation, or a dysfunctional protein product. This variant is rare in the general population with a frequency below the threshold expected for the associated phenotype(s). This variant has been observed in one or more individuals affected with the associated recessive disease, as either homozygous or compound heterozygous with a second variant (PMID: 23477994). Additionally, this variant has been observed to segregate in affected family members (PMID: 23477994). Given the available evidence, this variant is classified as Pathogenic.

GeneDx
Classification: Pathogenic. Last evaluated: 2024-07-19. Review status: criteria provided, single submitter. Criteria: GeneDx Variant Classification Process June 2021. Collection method: clinical testing. Allele origin: germline. Affected: yes.
Comment: Nonsense variant predicted to result in protein truncation or nonsense mediated decay in a gene for which loss of function is a known mechanism of disease; Not observed at significant frequency in large population cohorts (gnomAD); This variant is associated with the following publications: (PMID: 25525159, 31589614, 19357118, 31028937, 23477994)

Fulgent Genetics
Classification: Pathogenic for Primary ciliary dyskinesia 3. Last evaluated: 2024-04-24. Review status: criteria provided, single submitter. Criteria: ACMG Guidelines, 2015. Collection method: clinical testing. Allele origin: germline.

Ambry Genetics
Classification: Pathogenic for Primary ciliary dyskinesia. Last evaluated: 2014-08-08. Review status: criteria provided, single submitter. Criteria: Ambry Variant Classification Scheme 2023. Collection method: clinical testing. Allele origin: germline.
Comment: The p.Q1450* pathogenic mutation (also known as c.4348C>T) located in coding exon 27 of the DNAH5 gene, results from a C to T substitution at nucleotide position 4348. This changes the amino acid from a glutamine to a stop codon within coding exon 27. Eight members of a consanguineous Amish family from Pennsylvania who all had neonatal respiratory distress, situs inversus totalis, chronic pneumonia, or rhinosinusitis were found to be homozygous for this mutation. This paper also identified four additional affected individuals who were either homozygous or heterozygous (phase was confirmed trans through parental testing) for this mutation (Ferkol TW, et al. J. Pediatr. 2013 Aug; 163(2):383-7). Another study identified two affected individuals who each carried another mutation, Q3455H and E4133*, in conjunction with this mutation; however, phase was not specified (Failly M, et al. J. Med. Genet. 2009 Apr; 46(4):281-6). In addition to the clinical data presented in the literature, since premature stop codons are typically deleterious in nature, this alteration is interpreted as a disease-causing mutation (ACMG Recommendations for Standards for Interpretation and Reporting of Sequence Variations. Revision 2007. Genet Med. 2008;10:294).

Neuberg Centre For Genomic Medicine, NCGM
Classification: Pathogenic for Primary ciliary dyskinesia 3. Review status: criteria provided, single submitter. Criteria: ACMG Guidelines, 2015. Collection method: clinical testing. Allele origin: germline. Affected: yes.
Comment: The stop gained p.Q1450* in DNAH5 (NM_001369.3) has been previously reported in homozygous state in affected individuals including those of Amish origin (Ferkol TW et al; Strauss KA et al). The variant has been submitted to ClinVar as Pathogenic. Although the variant is present at 0.0004% in gnomAD Exomes, it has the flag "Failed Random Forest" and may not represent the true population frequency. The p.Q1450* variant is novel (not in any individuals) in 1000 Genomes. This variant is predicted to cause loss of normal protein function through protein truncation. Loss of function variants have been previously reported to be disease causing. For these reasons, this variant has been classified as Pathogenic.

Yale Center for Mendelian Genomics, Yale University
Classification: Likely pathogenic for Primary ciliary dyskinesia. Last evaluated: 2018-08-01. Review status: no assertion criteria provided. Collection method: literature only. Allele origin: germline. Affected: yes. Observed: 1 compound heterozygote. Study: Yale Center for Mendelian Genomics. Not counted in ClinVar's aggregate classification.

Division of Human Genetics, Children's Hospital of Philadelphia
Classification: Pathogenic for Primary ciliary dyskinesia 3. Last evaluated: 2016-04-27. Review status: no assertion criteria provided. Collection method: research. Allele origin: germline. Study: CSER-PediSeq. Not counted in ClinVar's aggregate classification.

GeneReviews
No classification provided. Condition: Kartagener syndrome. Review status: no classification provided. Collection method: literature only. Allele origin: germline. Affected: yes. Not counted in ClinVar's aggregate classification.

Literature cited by the submitters: PubMed 11788826 (cited by Labcorp Genetics (formerly Invitae), Labcorp); PubMed 16627867 (cited by Labcorp Genetics (formerly Invitae), Labcorp); PubMed 19357118 (cited by 3 submitters); PubMed 23477994 (cited by 5 submitters); PubMed 30067075 (cited by Yale Center for Mendelian Genomics, Yale University); PubMed 19630565 (cited by Division of Human Genetics, Children's Hospital of Philadelphia); NCBI Bookshelf NBK1122 (cited by GeneReviews).